The following is an entry in ClinVar:

NM_001382391.1(CSPP1):c.3254A>G (p.Asp1085Gly)

Genes: ARFGEF1 (ARF guanine nucleotide exchange factor 1; minus strand), CSPP1 (centrosome and spindle pole associated protein 1; plus strand). Cytogenetic location: 8q13.2.
Variant type: single nucleotide variant.
Coding change: c.3254A>G on transcript NM_001382391.1 (MANE Select); coding-DNA position 3254, A replaced by G.
Protein change: p.Asp1085Gly; replaces aspartic acid 1085 with glycine.
Molecular consequence: missense variant. On other transcripts: intron variant (2).
Genome position (GRCh38, 1-based): chr8:67,190,683, A>G. VCF-style: chr8-67190683-A-G. GRCh37 (hg19) VCF-style: chr8-68102918-A-G.
Other names: c.3239A>G, p.Asp1080Gly (NM_001438331.1, NM_024790.7); c.2555A>G, p.Asp852Gly (NM_001438332.1); c.5367+9713T>C (NM_001413186.1); c.5385+9713T>C (NM_001413187.1); c.2204A>G, p.Asp735Gly (NM_001291339.2); c.3173A>G, p.Asp1058Gly (NM_001363131.2); c.3059A>G, p.Asp1020Gly (NM_001363132.2); c.2978A>G, p.Asp993Gly (NM_001363133.2); and 3 more; short protein forms D1058G, D1107G, D1047G, D1085G, D735G, D993G, D1020G, D1080G.
Identifiers: ClinVar variation 2068422 (VCV002068422.4), dbSNP rs1429596915, ClinGen allele CA371202119.

ClinVar aggregate classification (germline): Uncertain significance. Review status: criteria provided, multiple submitters, no conflicts (2 of 4 stars). 2 submissions from 2 submitters: Uncertain significance (2). Last evaluated 2024-11-05.

Conditions:
Joubert syndrome 21 (JBTS21). Identifiers: MedGen C3810212, MONDO:0014288, OMIM 615636.
Inborn genetic diseases. Identifiers: MedGen C0950123, MeSH D030342.

Allele frequency attached by ClinVar (database versions not stated): gnomAD 0.00001; TOPMed 0.00001.
gnomAD v4.1: 1 of 1,614,016 alleles (0.000062%); highest among the groups gnomAD compares: African/African-American, 0.0013%; no homozygotes.

Submissions (2):

Labcorp Genetics (formerly Invitae), Labcorp
Classification: Uncertain significance for Joubert syndrome 21. Last evaluated: 2024-11-05. Review status: criteria provided, single submitter. Criteria: Invitae Variant Classification Sherloc (09022015). Collection method: clinical testing. Allele origin: germline.
Comment: This sequence change replaces aspartic acid, which is acidic and polar, with glycine, which is neutral and non-polar, at codon 1080 of the CSPP1 protein (p.Asp1080Gly). This variant is not present in population databases (gnomAD no frequency). This variant has not been reported in the literature in individuals affected with CSPP1-related conditions. ClinVar contains an entry for this variant (Variation ID: 2068422). An algorithm developed to predict the effect of missense changes on protein structure and function (PolyPhen-2) suggests that this variant is likely to be disruptive. Algorithms developed to predict the effect of sequence changes on RNA splicing suggest that this variant may disrupt the consensus splice site. In summary, the available evidence is currently insufficient to determine the role of this variant in disease. Therefore, it has been classified as a Variant of Uncertain Significance.

Ambry Genetics
Classification: Uncertain significance for Inborn genetic diseases. Last evaluated: 2023-05-18. Review status: criteria provided, single submitter. Criteria: Ambry Variant Classification Scheme 2023. Collection method: clinical testing. Allele origin: germline.